The following is an entry in ClinVar:

NM_007254.4(PNKP):c.1331C>T (p.Pro444Leu)

Gene: PNKP (polynucleotide kinase 3'-phosphatase; minus strand). Cytogenetic location: 19q13.33.
Variant type: single nucleotide variant.
Coding change: c.1331C>T on transcript NM_007254.4 (MANE Select); coding-DNA position 1331, C replaced by T.
Protein change: p.Pro444Leu; replaces proline 444 with leucine.
Molecular consequence: missense variant.
Genome position (GRCh38, 1-based): chr19:49,861,663, G>A on the plus strand (C>T on the coding strand, the complement: PNKP is on the minus strand). VCF-style: chr19-49861663-G-A. GRCh37 (hg19) VCF-style: chr19-50364920-G-A.
Other names: short protein forms P444L.
Identifiers: ClinVar variation 1376792 (VCV001376792.6), dbSNP rs908736344, ClinGen allele CA309539890.
Genomic context (GRCh38, chr19:49,861,663, plus strand): 5'-CTCACCCGGTTGTTGTGGCGCGCCTGCTCCAGAGTGGCGGTGAAGAGGAAGCAGCGGCAG[G>A]GGACGCCCGCGGCTCGGGCACACTGGACGTACCTGTGGGGGAAGGAGCTGGATGTGCAGG-3'
Protein context (NP_009185.2, residues 434-454): YVQCARAAGV[Pro444Leu]CRCFLFTATL

ClinVar aggregate classification (germline): Uncertain significance (1 of 4 stars; one submission).

Conditions:
Developmental and epileptic encephalopathy, 12 (DEE12). Identifiers: MedGen C3150988, MONDO:0013389, OMIM 613722.

Allele frequency attached by ClinVar (database versions not stated): gnomAD exomes 0.00001.
gnomAD v4.1: 3 of 1,549,984 alleles (0.00019%); highest among the groups gnomAD compares: Non-Finnish European, 0.00026%; no homozygotes.

Submission:

Labcorp Genetics (formerly Invitae), Labcorp
Classification: Uncertain significance for Developmental and epileptic encephalopathy, 12. Last evaluated: 2022-08-09. Review status: criteria provided, single submitter. Criteria: Invitae Variant Classification Sherloc (09022015). Collection method: clinical testing. Allele origin: germline.
Comment: ClinVar contains an entry for this variant (Variation ID: 1376792). This variant has not been reported in the literature in individuals affected with PNKP-related conditions. This variant is not present in population databases (gnomAD no frequency). This sequence change replaces proline, which is neutral and non-polar, with leucine, which is neutral and non-polar, at codon 444 of the PNKP protein (p.Pro444Leu). Algorithms developed to predict the effect of missense changes on protein structure and function are either unavailable or do not agree on the potential impact of this missense change (SIFT: "Deleterious"; PolyPhen-2: "Probably Damaging"; Align-GVGD: "Class C0"). In summary, the available evidence is currently insufficient to determine the role of this variant in disease. Therefore, it has been classified as a Variant of Uncertain Significance.